The following is an entry in ClinVar:

NM_015158.5(KANK1):c.3237del (p.Arg1080fs)

Gene: KANK1 (KN motif and ankyrin repeat domains 1; plus strand). Cytogenetic location: 9p24.3.
Variant type: Deletion.
Coding change: c.3237del on transcript NM_015158.5 (MANE Select); coding-DNA position 3237, one base deleted (C; older notation c.3237delC).
Protein change: p.Arg1080fs; shifts the reading frame from arginine 1080.
Molecular consequence: frameshift variant. On other transcripts: intron variant (5).
Genome position (GRCh38, 1-based): chr9:732,609, C deleted. VCF-style (leftmost placement, unchanged base first): chr9-732608-TC-T. GRCh37 (hg19) VCF-style: chr9-732608-TC-T.
Other names: c.3237del, p.Arg1080fs (NM_001256876.3, NM_001256877.3, NM_001354334.2); c.3183del, p.Arg1062fs (NM_001354332.2); c.2763del, p.Arg922fs (NM_001354333.2, NM_001354335.2, NM_001354337.2 and 2 more transcripts); c.2709del, p.Arg904fs (NM_001354338.2, NM_001354340.2, NM_001354344.2); c.3005+1343del (NM_001354331.2); c.2477+1343del (NM_001354336.2); c.2531+1343del (NM_001354339.2, NM_001354343.2, NM_001354342.2); short protein forms R1062fs, R904fs, R1080fs, R922fs.
Identifiers: ClinVar variation 2856237 (VCV002856237.3), dbSNP rs2540432530, ClinGen allele CA2739269061.

ClinVar aggregate classification (germline): Uncertain significance (1 of 4 stars; one submission).

Submission:

Labcorp Genetics (formerly Invitae), Labcorp
Classification: Uncertain significance. Last evaluated: 2023-04-21. Review status: criteria provided, single submitter. Criteria: Invitae Variant Classification Sherloc (09022015). Collection method: clinical testing. Allele origin: germline.
Comment: This sequence change creates a premature translational stop signal (p.Arg1080Glufs*6) in the KANK1 gene. It is expected to result in an absent or disrupted protein product. However, the current clinical and genetic evidence is not sufficient to establish whether loss-of-function variants in KANK1 cause disease. In summary, the available evidence is currently insufficient to determine the role of this variant in disease. Therefore, it has been classified as a Variant of Uncertain Significance. This variant has not been reported in the literature in individuals affected with KANK1-related conditions. This variant is not present in population databases (gnomAD no frequency).